The following is an entry in ClinVar:

ClinVar aggregate classification (germline): Conflicting classifications of pathogenicity. Review status: criteria provided, conflicting classifications (1 of 4 stars). 4 submissions from 4 submitters: Uncertain significance (3); Likely benign (1). Last evaluated 2025-10-29.

Conditions:
Hereditary cancer-predisposing syndrome. Also called: Neoplastic Syndromes, Hereditary; Hereditary Cancer Syndrome; Tumor predisposition; Hereditary neoplastic syndrome. Identifiers: Orphanet 140162, MedGen C0027672, MeSH D009386, MONDO:0015356.
Familial adenomatous polyposis 1 (FAP1). Also called: FAMILIAL ADENOMATOUS POLYPOSIS 1, ATTENUATED; POLYPOSIS, ADENOMATOUS INTESTINAL. Identifiers: MedGen C2713442, MONDO:0021056, OMIM 175100. Disease mechanism: loss of function.

Allele frequency attached by ClinVar (database versions not stated): TOPMed below 0.00001; gnomAD 0.00001; gnomAD exomes 0.00001; ExAC 0.00002.
gnomAD v4.1: 10 of 1,613,408 alleles (0.00062%); highest among the groups gnomAD compares: South Asian, 0.0099%; no homozygotes.

Submissions (4):

Labcorp Genetics (formerly Invitae), Labcorp
Classification: Uncertain significance for Familial adenomatous polyposis 1. Last evaluated: 2025-10-29. Review status: criteria provided, single submitter. Criteria: Invitae Variant Classification Sherloc (09022015). Collection method: clinical testing. Allele origin: germline.
Comment: This sequence change replaces arginine, which is basic and polar, with glutamine, which is neutral and polar, at codon 2560 of the APC protein (p.Arg2560Gln). This variant is present in population databases (rs759069096, gnomAD 0.01%). This variant has not been reported in the literature in individuals affected with APC-related conditions. ClinVar contains an entry for this variant (Variation ID: 927546). Invitae Evidence Modeling of protein sequence and biophysical properties (such as structural, functional, and spatial information, amino acid conservation, physicochemical variation, residue mobility, and thermodynamic stability) indicates that this missense variant is not expected to disrupt APC protein function with a negative predictive value of 95%. In summary, the available evidence is currently insufficient to determine the role of this variant in disease. Therefore, it has been classified as a Variant of Uncertain Significance.

Color Diagnostics, LLC DBA Color Health
Classification: Uncertain significance for Hereditary cancer-predisposing syndrome. Last evaluated: 2024-01-29. Review status: criteria provided, single submitter. Criteria: ACMG Guidelines, 2015. Collection method: clinical testing. Allele origin: germline.
Comment: This missense variant replaces arginine with glutamine at codon 2560 of the APC protein. Computational prediction suggests that this variant may not impact protein structure and function (internally defined REVEL score threshold <= 0.5, PMID: 27666373). To our knowledge, functional studies have not been reported for this variant. This variant has not been reported in individuals affected with APC-related disorders in the literature. This variant has been identified in 4/282166 chromosomes in the general population by the Genome Aggregation Database (gnomAD). The available evidence is insufficient to determine the role of this variant in disease conclusively. Therefore, this variant is classified as a Variant of Uncertain Significance.

Baylor Genetics
Classification: Uncertain significance for Familial adenomatous polyposis 1. Last evaluated: 2023-05-22. Review status: criteria provided, single submitter. Criteria: ACMG Guidelines, 2015. Collection method: clinical testing. Allele origin: unknown.

Ambry Genetics
Classification: Likely benign for Hereditary cancer-predisposing syndrome. Last evaluated: 2022-02-22. Review status: criteria provided, single submitter. Criteria: Ambry Variant Classification Scheme 2023. Collection method: clinical testing. Allele origin: germline.

NM_000038.6(APC):c.7679G>A (p.Arg2560Gln)

Gene: APC (APC regulator of Wnt signaling pathway; plus strand). Cytogenetic location: 5q22.2.
Variant type: single nucleotide variant.
Coding change: c.7679G>A on transcript NM_000038.6 (MANE Select); coding-DNA position 7679, G replaced by A.
Protein change: p.Arg2560Gln; replaces arginine 2560 with glutamine.
Molecular consequence: missense variant.
Genome position (GRCh38, 1-based): chr5:112,843,273, G>A. VCF-style: chr5-112843273-G-A. GRCh37 (hg19) VCF-style: chr5-112178970-G-A.
Other names: c.7199G>A, p.Arg2400Gln (NM_001354905.2); c.6830G>A, p.Arg2277Gln (NM_001354906.2); c.7679G>A, p.Arg2560Gln (NM_001127510.3, NM_001354895.2); c.7625G>A, p.Arg2542Gln (NM_001127511.3); c.7733G>A, p.Arg2578Gln (NM_001354896.2); c.7709G>A, p.Arg2570Gln (NM_001354897.2); c.7604G>A, p.Arg2535Gln (NM_001354898.2); c.7595G>A, p.Arg2532Gln (NM_001354899.2); and 5 more; short protein forms R2469Q, R2560Q, R2277Q, R2434Q, R2459Q, R2535Q, R2542Q, R2400Q.
Identifiers: ClinVar variation 927546 (VCV000927546.16), dbSNP rs759069096, ClinGen allele CA048947.
Genomic context (GRCh38, chr5:112,843,273, plus strand): 5'-CAATCAATAGGTCAGGAACCTGGAAACGTGAGCACAGCAAACATTCATCATCCCTTCCTC[G>A]AGTAAGCACTTGGAGAAGAACTGGAAGTTCATCTTCAATTCTTTCTGCTTCATCAGAATC-3'
Protein context (NP_000029.2, residues 2550-2570): EHSKHSSSLP[Arg2560Gln]VSTWRRTGSS